The following is an entry in ClinVar:

NM_024642.5(GALNT12):c.629G>A (p.Arg210Gln)

Gene: GALNT12 (polypeptide N-acetylgalactosaminyltransferase 12; plus strand). Cytogenetic location: 9q22.33.
Variant type: single nucleotide variant.
Coding change: c.629G>A on transcript NM_024642.5 (MANE Select); coding-DNA position 629, G replaced by A.
Protein change: p.Arg210Gln; replaces arginine 210 with glutamine.
Molecular consequence: missense variant.
Genome position (GRCh38, 1-based): chr9:98,826,839, G>A. VCF-style: chr9-98826839-G-A. GRCh37 (hg19) VCF-style: chr9-101589121-G-A.
Other names: short protein forms R210Q.
Identifiers: ClinVar variation 1752695 (VCV001752695.4), dbSNP rs780705882, ClinGen allele CA5154009.

ClinVar aggregate classification (germline): Uncertain significance. Review status: criteria provided, multiple submitters, no conflicts (2 of 4 stars). 2 submissions from 2 submitters: Uncertain significance (2). Last evaluated 2024-08-17.

Conditions:
Colorectal cancer, susceptibility to, 1. Also called: COLORECTAL ADENOMA AND CANCER, SUSCEPTIBILITY TO; COLORECTAL CANCER, SUSCEPTIBILITY TO, ON CHROMOSOME 9. Identifiers: MedGen C1837315, MONDO:0012132, OMIM 608812.

Allele frequency attached by ClinVar (database versions not stated): ExAC 0.00001; gnomAD 0.00002; TOPMed 0.00002.
gnomAD v4.1: 4 of 1,610,256 alleles (0.00025%); highest among the groups gnomAD compares: Admixed American, 0.0017%; no homozygotes.

Submissions (2):

Ambry Genetics
Classification: Uncertain significance. Last evaluated: 2024-08-17. Review status: criteria provided, single submitter. Criteria: Ambry Variant Classification Scheme 2023. Collection method: clinical testing. Allele origin: germline.
Comment: The p.R210Q variant (also known as c.629G>A), located in coding exon 3 of the GALNT12 gene, results from a G to A substitution at nucleotide position 629. The arginine at codon 210 is replaced by glutamine, an amino acid with highly similar properties. This amino acid position is highly conserved in available vertebrate species. In addition, this alteration is predicted to be deleterious by in silico analysis. The evidence for this gene-disease relationship is limited; therefore, the clinical significance of this alteration is unclear.

Baylor Genetics
Classification: Uncertain significance for Colorectal cancer, susceptibility to, 1. Last evaluated: 2023-02-08. Review status: criteria provided, single submitter. Criteria: ACMG Guidelines, 2015. Collection method: clinical testing. Allele origin: unknown.